The following is an entry in ClinVar:

NM_001395333.1(MTCL1):c.4466C>T (p.Pro1489Leu)

Gene: MTCL1 (microtubule crosslinking factor 1; plus strand). Cytogenetic location: 18p11.22.
Variant type: single nucleotide variant.
Coding change: c.4466C>T on transcript NM_001395333.1 (MANE Select); coding-DNA position 4466, C replaced by T.
Protein change: p.Pro1489Leu; replaces proline 1489 with leucine.
Molecular consequence: missense variant.
Genome position (GRCh38, 1-based): chr18:8,824,896, C>T. VCF-style: chr18-8824896-C-T. GRCh37 (hg19) VCF-style: chr18-8824894-C-T.
Other names: c.4343C>T, p.Pro1448Leu (NM_001378205.1, NM_001378207.1); c.4466C>T, p.Pro1489Leu (NM_001378206.1); c.3263C>T, p.Pro1088Leu (NM_001395220.1); c.3386C>T, p.Pro1129Leu (NM_015210.4); short protein forms P1088L, P1129L, P1448L, P1489L.
Identifiers: ClinVar variation 2648560 (VCV002648560.24), dbSNP rs115963216, ClinGen allele CA8886593.

ClinVar aggregate classification (germline): Likely benign (1 of 4 stars; one submission).

Allele frequency attached by ClinVar (database versions not stated): ESP Exome Variant Server 0.00008; 1000 Genomes Project 30x 0.00016; 1000 Genomes Project 0.00020; ExAC 0.00026; gnomAD 0.00027; TOPMed 0.00035.
gnomAD v4.1: 189 of 1,613,860 alleles (0.012%); highest among the groups gnomAD compares: East Asian, 0.21%; no homozygotes.

Submission:

CeGaT Center for Human Genetics Tuebingen
Classification: Likely benign. Last evaluated: 2023-02-01. Review status: criteria provided, single submitter. Criteria: CeGaT Center For Human Genetics Tuebingen Variant Classification Criteria Version 2. Collection method: clinical testing. Allele origin: germline. Affected: yes. Observed: 1 variant allele.
Comment: MTCL1: BP4